The following is an entry in ClinVar:

NM_000044.6(AR):c.2176T>C (p.Phe726Leu)

Gene: AR (androgen receptor; plus strand). Cytogenetic location: Xq12.
Variant type: single nucleotide variant.
Coding change: c.2176T>C on transcript NM_000044.6 (MANE Select); coding-DNA position 2176, T replaced by C.
Protein change: p.Phe726Leu; replaces phenylalanine 726 with leucine.
Molecular consequence: missense variant.
Genome position (GRCh38, 1-based): chrX:67,717,480, T>C. VCF-style: chrX-67717480-T-C. GRCh37 (hg19) VCF-style: chrX-66937322-T-C.
Other names: c.580T>C, p.Phe194Leu (NM_001011645.3); short protein forms F726L, F194L.
Identifiers: ClinVar variation 458362 (VCV000458362.8), dbSNP rs1555996810, ClinGen allele CA413424259.
Genomic context (GRCh38, chrX:67,717,480, plus strand): 5'-ACTTAGCTCAACCCGTCAGTACCCAGACTGACCACTGCCTCTGCCTCTTCTTCTCCAGGC[T>C]TCCGCAACTTACACGTGGACGACCAGATGGCTGTCATTCAGTACTCCTGGATGGGGCTCA-3'
Protein context (NP_000035.2, residues 716-736): VVKWAKALPG[Phe726Leu]RNLHVDDQMA

ClinVar aggregate classification (germline): Pathogenic (1 of 4 stars; one submission).

Conditions:
Androgen resistance syndrome (AIS). Also called: ANDROGEN RECEPTOR DEFICIENCY; DIHYDROTESTOSTERONE RECEPTOR DEFICIENCY; Androgen insensitivity syndrome; TESTICULAR FEMINIZATION SYNDROME; Androgen insensitivity; Androgen insensitivity syndrome due to coactivator deficiency. Identifiers: Orphanet 754, Orphanet 99429, MedGen C0039585, MONDO:0019154, OMIM 300068. Disease mechanism: loss of function.
Kennedy disease (SMAX1). Also called: SPINAL AND BULBAR MUSCULAR ATROPHY, X-LINKED 1; Spinal and Bulbar Muscular Atrophy; KENNEDY SPINAL AND BULBAR MUSCULAR ATROPHY. Identifiers: Orphanet 481, MedGen C1839259, MONDO:0010735, OMIM 313200.

Submission:

Labcorp Genetics (formerly Invitae), Labcorp
Classification: Pathogenic for Kennedy disease; Androgen resistance syndrome. Last evaluated: 2017-10-06. Review status: criteria provided, single submitter. Criteria: Invitae Variant Classification Sherloc (09022015). Collection method: clinical testing. Allele origin: germline.
Comment: For these reasons, this variant has been classified as Pathogenic. Experimental studies have shown that this missense disrupts AR intra- and inter-molecular interactions, and decreases its transcriptional activation activity in cell culture (PMID: 11376111, 15541764, 16365032). This variant has been reported in individuals affected with partial androgen insensitivity syndrome and/or ambiguous genitalia (PMID: 7671849, 10092153, Invitae). This variant is also known as F725L in the literature. This sequence change replaces phenylalanine with leucine at codon 726 of the AR protein (p.Phe726Leu). The phenylalanine residue is moderately conserved and there is a small physicochemical difference between phenylalanine and leucine. This variant is not present in population databases (ExAC no frequency).

Literature cited by the submitters: PubMed 11376111; PubMed 15541764; PubMed 16365032; PubMed 7671849; PubMed 10092153.